The following is an entry in ClinVar:

NM_031952.4(SPATA9):c.585G>A (p.Glu195=)

Gene: SPATA9 (spermatogenesis associated 9; minus strand). Cytogenetic location: 5q15.
Variant type: single nucleotide variant.
Coding change: c.585G>A on transcript NM_031952.4 (MANE Select); coding-DNA position 585, G replaced by A.
Protein change: p.Glu195=; no amino-acid change (glutamic acid 195 retained).
Molecular consequence: synonymous variant. On other transcripts: non-coding transcript variant (4).
Genome position (GRCh38, 1-based): chr5:95,658,803, C>T on the plus strand (G>A on the coding strand, the complement: SPATA9 is on the minus strand). VCF-style: chr5-95658803-C-T. GRCh37 (hg19) VCF-style: chr5-94994507-C-T.
Other names: c.501G>A, p.Glu167= (NM_001349303.2); c.585G>A, p.Glu195= (NM_173360.2).
Identifiers: ClinVar variation 2655595 (VCV002655595.24), dbSNP rs10045409, ClinGen allele CA3348579.
Genomic context (GRCh38, chr5:95,658,803, plus strand): 5'-TGACCTATAAGGTTTTGCTTTGATTTCACCTTCAGCAAACATAGGCTCCGAAAGCACAGG[C>T]TCAGAAAAGGCTTTTCTACAATTTTCACTCTCCTCTCTGTTTTGCCTTATGGATTCTTCT-3'
Protein context (NP_114158.2, residues 185-205): ESENCRKAFS[Glu195=]PVLSEPMFAE

ClinVar aggregate classification (germline): Likely benign (1 of 4 stars; one submission).

Allele frequency attached by ClinVar (database versions not stated): 1000 Genomes Project 0.00020; 1000 Genomes Project 30x 0.00031; ExAC 0.00096; gnomAD 0.00130; TOPMed 0.00132; ESP Exome Variant Server 0.00200; gnomAD exomes 0.00240.
gnomAD v4.1: 3,673 of 1,613,970 alleles (0.23%); highest among the groups gnomAD compares: Non-Finnish European, 0.29%; 10 homozygotes.

Submission:

CeGaT Center for Human Genetics Tuebingen
Classification: Likely benign. Last evaluated: 2022-12-01. Review status: criteria provided, single submitter. Criteria: CeGaT Center For Human Genetics Tuebingen Variant Classification Criteria Version 2. Collection method: clinical testing. Allele origin: germline. Affected: yes. Observed: 1 variant allele.
Comment: SPATA9: BP4, BP7